The following is an entry in ClinVar:

NM_000016.6(ACADM):c.968T>C (p.Leu323Pro)

Gene: ACADM (acyl-CoA dehydrogenase medium chain; plus strand). Cytogenetic location: 1p31.1.
Variant type: single nucleotide variant.
Coding change: c.968T>C on transcript NM_000016.6 (MANE Select); coding-DNA position 968, T replaced by C.
Protein change: p.Leu323Pro; replaces leucine 323 with proline.
Molecular consequence: missense variant.
Genome position (GRCh38, 1-based): chr1:75,761,144, T>C. VCF-style: chr1-75761144-T-C. GRCh37 (hg19) VCF-style: chr1-76226829-T-C.
Other names: c.980T>C, p.Leu327Pro (NM_001127328.3); c.860T>C, p.Leu287Pro (NM_001286042.2); c.1067T>C, p.Leu356Pro (NM_001286043.2); c.401T>C, p.Leu134Pro (NM_001286044.2); short protein forms L356P, L327P, L134P, L287P, L323P.
Identifiers: ClinVar variation 1767799 (VCV001767799.2), dbSNP rs1272628215, ClinGen allele CA340817884.

ClinVar aggregate classification (germline): Uncertain significance (1 of 4 stars; one submission).

Conditions:
Inborn genetic diseases. Identifiers: MedGen C0950123, MeSH D030342.

Allele frequency attached by ClinVar (database versions not stated): gnomAD exomes below 0.00001; TOPMed below 0.00001; gnomAD 0.00001.
gnomAD v4.1: 2 of 1,613,978 alleles (0.00012%); highest among the groups gnomAD compares: Non-Finnish European, 0.00017%; no homozygotes.

Submission:

Ambry Genetics
Classification: Uncertain significance for Inborn genetic diseases. Last evaluated: 2022-07-27. Review status: criteria provided, single submitter. Criteria: Ambry Variant Classification Scheme 2023. Collection method: clinical testing. Allele origin: germline.
Comment: The p.L323P variant (also known as c.968T>C), located in coding exon 11 of the ACADM gene, results from a T to C substitution at nucleotide position 968. The leucine at codon 323 is replaced by proline, an amino acid with similar properties. This amino acid position is conserved. In addition, this alteration is predicted to be deleterious by in silico analysis. Since supporting evidence is limited at this time, the clinical significance of this alteration remains unclear.